The following is an entry in ClinVar:

ClinVar aggregate classification (germline): Conflicting classifications of pathogenicity. Review status: criteria provided, conflicting classifications (1 of 4 stars). 3 submissions from 3 submitters: Uncertain significance (1); Likely benign (2). Last evaluated 2025-11-05.

Conditions:
Retinal dystrophy. Also called: Inherited retinal dystrophy. Identifiers: Orphanet 71862, MedGen C0854723, MeSH D058499, MONDO:0019118, HP:0000556.

Allele frequency attached by ClinVar (database versions not stated): gnomAD 0.00004 and 0.00007; TOPMed 0.00015; 1000 Genomes Project 0.00020; ExAC 0.00024; gnomAD exomes 0.00026; 1000 Genomes Project 30x 0.00031.
gnomAD v4.1: 192 of 1,613,744 alleles (0.012%); highest among the groups gnomAD compares: East Asian, 0.21%; 3 homozygotes.

Submissions (3):

Labcorp Genetics (formerly Invitae), Labcorp
Classification: Uncertain significance. Last evaluated: 2025-11-05. Review status: criteria provided, single submitter. Criteria: Invitae Variant Classification Sherloc (09022015). Collection method: clinical testing. Allele origin: germline.
Comment: This sequence change replaces glycine, which is neutral and non-polar, with serine, which is neutral and polar, at codon 298 of the ZNF408 protein (p.Gly298Ser). This variant is present in population databases (rs371633363, gnomAD 0.2%). This missense change has been observed in individual(s) with familial exudative vitreoretinopathy (PMID: 30097784). This variant is also known as c.868G>A (p.G290S). ClinVar contains an entry for this variant (Variation ID: 958233). An algorithm developed to predict the effect of missense changes on protein structure and function outputs the following: PolyPhen-2: "Benign". The serine amino acid residue is found in multiple mammalian species, which suggests that this missense change does not adversely affect protein function. In summary, the available evidence is currently insufficient to determine the role of this variant in disease. Therefore, it has been classified as a Variant of Uncertain Significance.

Blueprint Genetics
Classification: Likely benign. Last evaluated: 2024-05-08. Review status: criteria provided, single submitter. Criteria: ACMG Guidelines, 2015. Collection method: clinical testing. Allele origin: germline.

Dept Of Ophthalmology, Nagoya University
Classification: Likely benign for Retinal dystrophy. Last evaluated: 2023-10-01. Review status: criteria provided, single submitter. Criteria: Submitter's publication. Collection method: research. Allele origin: germline. Affected: yes.

Literature cited by the submitters: PubMed 30097784 (cited by Labcorp Genetics (formerly Invitae), Labcorp).

NM_024741.3(ZNF408):c.892G>A (p.Gly298Ser)

Gene: ZNF408 (zinc finger protein 408; plus strand). Cytogenetic location: 11p11.2.
Variant type: single nucleotide variant.
Coding change: c.892G>A on transcript NM_024741.3 (MANE Select); coding-DNA position 892, G replaced by A.
Protein change: p.Gly298Ser; replaces glycine 298 with serine.
Molecular consequence: missense variant.
Genome position (GRCh38, 1-based): chr11:46,704,592, G>A. VCF-style: chr11-46704592-G-A. GRCh37 (hg19) VCF-style: chr11-46726142-G-A.
Other names: c.868G>A, p.Gly290Ser (NM_001184751.2); short protein forms G290S, G298S.
Identifiers: ClinVar variation 958233 (VCV000958233.10), dbSNP rs371633363, ClinGen allele CA5966446.